The following is an entry in ClinVar:

NM_172107.4(KCNQ2):c.2120C>T (p.Ala707Val)

Gene: KCNQ2 (potassium voltage-gated channel subfamily Q member 2; minus strand). Cytogenetic location: 20q13.33.
Variant type: single nucleotide variant.
Coding change: c.2120C>T on transcript NM_172107.4 (MANE Select); coding-DNA position 2120, C replaced by T.
Protein change: p.Ala707Val; replaces alanine 707 with valine.
Molecular consequence: missense variant.
Genome position (GRCh38, 1-based): chr20:63,407,143, G>A on the plus strand (C>T on the coding strand, the complement: KCNQ2 is on the minus strand). VCF-style: chr20-63407143-G-A. GRCh37 (hg19) VCF-style: chr20-62038496-G-A.
Other names: c.2174C>T, p.Ala725Val (NM_001382235.1); c.2036C>T, p.Ala679Val (NM_004518.6); c.2066C>T, p.Ala689Val (NM_172106.3); c.2027C>T, p.Ala676Val (NM_172108.5); short protein forms A679V, A707V, A676V, A725V, A689V.
Identifiers: ClinVar variation 1039210 (VCV001039210.9), dbSNP rs753033741, ClinGen allele CA409638952.
Genomic context (GRCh38, chr20:63,407,143, plus strand): 5'-CCCTGGCGCGGGTGGCTCTGTGGCTGCCAGGAGGTGGAGGGCGGACACTGGACAGGGGGC[G>A]CGGCCGGGGGCGCCGAGAAGTTCTTCTGGCCCGTGGAGCTGCTGGAGCGCACGATCTTGA-3'
Protein context (NP_742105.1, residues 697-717): GQKNFSAPPA[Ala707Val]PPVQCPPSTS

ClinVar aggregate classification (germline): Uncertain significance (1 of 4 stars; one submission).

Conditions:
Early-infantile DEE. Also called: Ohtahara syndrome; Early infantile epileptic encephalopathy with suppression bursts; Early infantile epileptic encephalopathy. Identifiers: Orphanet 1934, MedGen C0393706, MONDO:0800491.

Allele frequency attached by ClinVar (database versions not stated): gnomAD 0.00001; gnomAD exomes 0.00001; TOPMed 0.00002.
gnomAD v4.1: 10 of 1,573,524 alleles (0.00064%); highest among the groups gnomAD compares: East Asian, 0.0047%; no homozygotes.

Submission:

Labcorp Genetics (formerly Invitae), Labcorp
Classification: Uncertain significance for Early-infantile DEE. Last evaluated: 2025-06-27. Review status: criteria provided, single submitter. Criteria: Invitae Variant Classification Sherloc (09022015). Collection method: clinical testing. Allele origin: germline.
Comment: This sequence change replaces alanine, which is neutral and non-polar, with valine, which is neutral and non-polar, at codon 707 of the KCNQ2 protein (p.Ala707Val). The frequency data for this variant in the population databases is considered unreliable, as metrics indicate poor data quality at this position in the gnomAD database. This variant has not been reported in the literature in individuals affected with KCNQ2-related conditions. ClinVar contains an entry for this variant (Variation ID: 1039210). Invitae Evidence Modeling of protein sequence and biophysical properties (such as structural, functional, and spatial information, amino acid conservation, physicochemical variation, residue mobility, and thermodynamic stability) indicates that this missense variant is not expected to disrupt KCNQ2 protein function with a negative predictive value of 95%. In summary, the available evidence is currently insufficient to determine the role of this variant in disease. Therefore, it has been classified as a Variant of Uncertain Significance.